The following is an entry in ClinVar:

NM_004304.5(ALK):c.787+4A>G

Gene: ALK (ALK receptor tyrosine kinase; minus strand). Cytogenetic location: 2p23.2.
Variant type: single nucleotide variant.
Coding change: c.787+4A>G on transcript NM_004304.5 (MANE Select); 4 bases into the intron after coding-DNA position 787, A replaced by G.
Molecular consequence: intron variant.
Genome position (GRCh38, 1-based): chr2:29,717,574, T>C on the plus strand (A>G on the coding strand, the complement: ALK is on the minus strand). VCF-style: chr2-29717574-T-C. GRCh37 (hg19) VCF-style: chr2-29940440-T-C.
Other names: c.787+4A>G (NM_004304.4).
Identifiers: ClinVar variation 3368654 (VCV003368654.4).
Genomic context (GRCh38, chr2:29,717,574, plus strand): 5'-TCACAGAGTCCTTATTATGAGATAGTGACAGTGTATCTCAAGTAAATATTAAACATATAC[T>C]TACCATATCGGCTGCGATGAGACAGGAAAGGGAAGGAGTCTTTCATTATCCAGGTGAGAT-3'

ClinVar aggregate classification (germline): Uncertain significance. Review status: criteria provided, multiple submitters, no conflicts (2 of 4 stars). 3 submissions from 3 submitters: Uncertain significance (3). Last evaluated 2026-01-28.

Conditions:
Hereditary cancer-predisposing syndrome. Also called: Hereditary neoplastic syndrome; Tumor predisposition; Neoplastic Syndromes, Hereditary; Hereditary Cancer Syndrome. Identifiers: Orphanet 140162, MedGen C0027672, MeSH D009386, MONDO:0015356.
Neuroblastoma, susceptibility to, 3. Also called: ALK-Related Neuroblastic Tumor Susceptibility. Identifiers: Orphanet 635, MedGen C2751681, MONDO:0013083, OMIM 613014.

gnomAD v4.1: 1 of 1,613,858 alleles (0.000062%); highest among the groups gnomAD compares: African/African-American, 0.0013%; no homozygotes.

Submissions (3):

Ambry Genetics
Classification: Uncertain significance for Hereditary cancer-predisposing syndrome. Last evaluated: 2026-01-28. Review status: criteria provided, single submitter. Criteria: Ambry Variant Classification Scheme 2023. Collection method: clinical testing. Allele origin: germline.
Comment: The c.787+4A>G intronic variant results from an A to G substitution 4 nucleotides after coding exon 2 in the ALK gene. This nucleotide position is highly conserved in available vertebrate species. In silico splice site analysis for this alteration is inconclusive. Based on the available evidence, the clinical significance of this variant remains unclear.

Labcorp Genetics (formerly Invitae), Labcorp
Classification: Uncertain significance for Neuroblastoma, susceptibility to, 3. Last evaluated: 2024-06-11. Review status: criteria provided, single submitter. Criteria: Invitae Variant Classification Sherloc (09022015). Collection method: clinical testing. Allele origin: germline.
Comment: This sequence change falls in intron 2 of the ALK gene. It does not directly change the encoded amino acid sequence of the ALK protein. It affects a nucleotide within the consensus splice site. This variant is not present in population databases (gnomAD no frequency). This variant has not been reported in the literature in individuals affected with ALK-related conditions. Variants that disrupt the consensus splice site are a relatively common cause of aberrant splicing (PMID: 17576681, 9536098). Algorithms developed to predict the effect of sequence changes on RNA splicing suggest that this variant is not likely to affect RNA splicing. In summary, the available evidence is currently insufficient to determine the role of this variant in disease. Therefore, it has been classified as a Variant of Uncertain Significance.

GeneDx
Classification: Uncertain significance. Last evaluated: 2024-01-31. Review status: criteria provided, single submitter. Criteria: GeneDx Variant Classification Process June 2021. Collection method: clinical testing. Allele origin: germline. Affected: yes.
Comment: Not observed at significant frequency in large population cohorts (gnomAD); In silico analysis supports that this variant does not alter splicing; Has not been previously published as pathogenic or benign to our knowledge

Literature cited by the submitters: PubMed 17576681 (cited by Labcorp Genetics (formerly Invitae), Labcorp); PubMed 9536098 (cited by Labcorp Genetics (formerly Invitae), Labcorp).